The following is an entry in ClinVar:

NM_000256.3(MYBPC3):c.1898-28G>A

Gene: MYBPC3 (myosin binding protein C3; minus strand). Cytogenetic location: 11p11.2.
Variant type: single nucleotide variant.
Coding change: c.1898-28G>A on transcript NM_000256.3 (MANE Select); 28 bases into the intron before coding-DNA position 1898, G replaced by A.
Molecular consequence: intron variant.
Genome position (GRCh38, 1-based): chr11:47,341,060, C>T on the plus strand (G>A on the coding strand, the complement: MYBPC3 is on the minus strand). VCF-style: chr11-47341060-C-T. GRCh37 (hg19) VCF-style: chr11-47362611-C-T.
Identifiers: ClinVar variation 4981602 (VCV004981602.1).

ClinVar aggregate classification (germline): Likely benign (1 of 4 stars; one submission).

Conditions:
MYBPC3-related disorder. Also called: MYBPC3-related disorders; MYBPC3-related condition; MYBPC3-related disease.

gnomAD v4.1: 36 of 1,574,730 alleles (0.0023%); highest among the groups gnomAD compares: Middle Eastern, 0.017%; no homozygotes.

Submission:

PreventionGenetics, part of Exact Sciences
Classification: Likely benign for MYBPC3-related condition. Last evaluated: 2025-08-19. Review status: criteria provided, single submitter. Criteria: ACMG Guidelines, 2015. Collection method: clinical testing. Allele origin: germline.
Comment: This variant is classified as likely benign based on ACMG/AMP sequence variant interpretation guidelines (Richards et al. 2015 PMID: 25741868, with internal and published modifications).